The following is an entry in ClinVar:

ClinVar aggregate classification (germline): Pathogenic. Review status: criteria provided, single submitter (1 of 4 stars). 2 submissions from 2 submitters: Pathogenic (1). 1 of the submissions does not count toward it. Last evaluated 2022-01-02.

Conditions:
Exostoses, multiple, type 2 (EXT2). Also called: Hereditary Multiple Osteochondromatosis, Type II; EXOSTOSES, MULTIPLE, TYPE II. Identifiers: Orphanet 321, MedGen C1851413, MONDO:0007586, OMIM 133701.

Submissions (2):

Labcorp Genetics (formerly Invitae), Labcorp
Classification: Pathogenic for Exostoses, multiple, type 2. Last evaluated: 2022-01-02. Review status: criteria provided, single submitter. Criteria: Invitae Variant Classification Sherloc (09022015). Collection method: clinical testing. Allele origin: germline.
Comment: This missense change has been observed in individual(s) with hereditary multiple osteochondromatosis (PMID: 30806661; Invitae). This variant is not present in population databases (gnomAD no frequency). This sequence change replaces proline, which is neutral and non-polar, with leucine, which is neutral and non-polar, at codon 351 of the EXT2 protein (p.Pro351Leu). Algorithms developed to predict the effect of missense changes on protein structure and function are either unavailable or do not agree on the potential impact of this missense change (SIFT: "Deleterious"; PolyPhen-2: "Probably Damaging"; Align-GVGD: "Class C0"). Experimental studies have shown that this missense change affects EXT2 function (PMID: 30806661). For these reasons, this variant has been classified as Pathogenic. ClinVar contains an entry for this variant (Variation ID: 983552).

OMIM
Classification: Pathogenic for EXOSTOSES, MULTIPLE, TYPE II. Last evaluated: 2020-11-06. Review status: no assertion criteria provided. Collection method: literature only. Allele origin: germline. Not counted in ClinVar's aggregate classification.

Literature cited by the submitters: PubMed 30806661 (cited by Labcorp Genetics (formerly Invitae), Labcorp and OMIM).

NM_207122.2(EXT2):c.1052C>T (p.Pro351Leu)

Gene: EXT2 (exostosin glycosyltransferase 2; plus strand). Cytogenetic location: 11p11.2.
Variant type: single nucleotide variant.
Coding change: c.1052C>T on transcript NM_207122.2 (MANE Select); coding-DNA position 1052, C replaced by T.
Protein change: p.Pro351Leu; replaces proline 351 with leucine.
Molecular consequence: missense variant.
Genome position (GRCh38, 1-based): chr11:44,126,928, C>T. VCF-style: chr11-44126928-C-T. GRCh37 (hg19) VCF-style: chr11-44148478-C-T.
Other names: c.1151C>T, p.Pro384Leu (NM_000401.3); c.1052C>T, p.Pro351Leu (NM_001178083.3); short protein forms P351L, P384L.
Identifiers: ClinVar variation 983552 (VCV000983552.8), dbSNP rs1954415964, ClinGen allele CA380169252.
Genomic context (GRCh38, chr11:44,126,928, plus strand): 5'-TGAGCGATGTGTTACAAGCTGGCTGTGTCCCGGTTGTCATTGCAGACTCCTATATTTTGC[C>T]TTTCTCTGAAGTTCTTGACTGGAAGAGGTGGGTAGTACCTCCTAGTAAACTCTACATTAG-3'
Protein context (NP_997005.1, residues 341-361): PVVIADSYIL[Pro351Leu]FSEVLDWKRA